The following is an entry in ClinVar:

ClinVar aggregate classification (germline): Uncertain significance (1 of 4 stars; one submission).

Submission:

Geisinger Autism and Developmental Medicine Institute, Geisinger Health System
Classification: Uncertain significance. Last evaluated: 2017-10-07. Review status: criteria provided, single submitter. Criteria: ACMG CNV Guidelines, 2011. Collection method: provider interpretation. Allele origin: maternal.
Comment: This 758 kilobase deletion includes four genes - BEND3, PDSS2, SOBP, and SCML4. PDSS2 is associated with primary coenzyme Q10 deficiency -3 (OMIM 614652) and SOBP is associated with intellectual disability, anterior maxillary protrusion and strabismus (OMIM 613671). Smaller overlapping deletions have been reported in DECIPHER, including in an individual with global developmental delay, macrocephaly, and abnormality of the philtrum who was large for gestational age (Case 262370) and an individual with a de novo deletion with a history of autism spectrum disorder, delayed speech and language, intellectual disability, microcephaly, and ventricular septal defect (Case 254740).

NC_000006.12:g.107174371_107825273del

Genes: PDSS2 (decaprenyl diphosphate synthase subunit 2; minus strand), SCML4 (Scm polycomb group protein like 4; minus strand), SOBP (sine oculis binding protein homolog; plus strand), LOC123775394 (Sharpr-MPRA regulatory region 6907; plus strand), LOC129389601 (MPRA-validated peak6006 silencer; plus strand) and 6 more. Cytogenetic location: 6q21.
Variant type: Deletion.
Identifiers: ClinVar variation 560095 (VCV000560095.4).